The following is an entry in ClinVar:

ClinVar aggregate classification (germline): Likely pathogenic (1 of 4 stars; one submission).

Conditions:
Meckel syndrome, type 1 (MKS1). Also called: MECKEL-GRUBER SYNDROME, TYPE 1. Identifiers: Orphanet 564, MedGen C3714506, MONDO:0009571, OMIM 249000.

Submission:

Natera, Inc.
Classification: Likely pathogenic for Meckel syndrome type 1. Last evaluated: 2024-09-19. Review status: criteria provided, single submitter. Criteria: Natera Variant Classification Schema (03/2026). Collection method: clinical testing. Allele origin: germline.
Comment: The c.515+6T>C variant in MKS1 is an intronic variant located outside the canonical splice sites. This variant is rare in the general population with a frequency below the threshold expected for the associated phenotype(s). Functional studies show that this variant may disrupt protein function (PMID: 19776033). Computational prediction algorithms indicate this variant is likely to affect gene or protein function. Given the available evidence, this variant is classified as Likely Pathogenic.

Literature cited by the submitters: PubMed 19776033.

NM_017777.4(MKS1):c.515+6T>C

Gene: MKS1 (MKS transition zone complex subunit 1; minus strand). Cytogenetic location: 17q22.
Variant type: single nucleotide variant.
Coding change: c.515+6T>C on transcript NM_017777.4 (MANE Select); 6 bases into the intron after coding-DNA position 515, T replaced by C.
Molecular consequence: intron variant.
Genome position (GRCh38, 1-based): chr17:58,214,735, A>G on the plus strand (T>C on the coding strand, the complement: MKS1 is on the minus strand). VCF-style: chr17-58214735-A-G. GRCh37 (hg19) VCF-style: chr17-56292096-A-G.
Other names: c.-94-348T>C (NM_001321268.2); c.515+6T>C (NM_001330397.2, NM_001321269.2, NM_001411113.1).
Identifiers: ClinVar variation 4815912 (VCV004815912.1).